The following is an entry in ClinVar:

ClinVar aggregate classification (germline): Uncertain significance. Review status: criteria provided, multiple submitters, no conflicts (2 of 4 stars). 2 submissions from 2 submitters: Uncertain significance (2). Last evaluated 2025-04-07.

Conditions:
Hereditary nonpolyposis colorectal neoplasms. Identifiers: MedGen C0009405, MeSH D003123.
Hereditary cancer-predisposing syndrome. Also called: Neoplastic Syndromes, Hereditary; Hereditary Cancer Syndrome; Tumor predisposition; Hereditary neoplastic syndrome. Identifiers: Orphanet 140162, MedGen C0027672, MeSH D009386, MONDO:0015356.

Submissions (2):

Labcorp Genetics (formerly Invitae), Labcorp
Classification: Uncertain significance for Hereditary nonpolyposis colorectal neoplasms. Last evaluated: 2025-04-07. Review status: criteria provided, single submitter. Criteria: Invitae Variant Classification Sherloc (09022015). Collection method: clinical testing. Allele origin: germline.
Comment: This sequence change replaces leucine, which is neutral and non-polar, with phenylalanine, which is neutral and non-polar, at codon 305 of the PMS2 protein (p.Leu305Phe). This variant is not present in population databases (gnomAD no frequency). This variant has not been reported in the literature in individuals affected with PMS2-related conditions. ClinVar contains an entry for this variant (Variation ID: 1036840). Invitae Evidence Modeling incorporating data from in vitro experimental studies (internal data) indicates that this missense variant is not expected to disrupt PMS2 function with a negative predictive value of 95%. In summary, the available evidence is currently insufficient to determine the role of this variant in disease. Therefore, it has been classified as a Variant of Uncertain Significance.

Ambry Genetics
Classification: Uncertain significance for Hereditary cancer-predisposing syndrome. Last evaluated: 2021-03-10. Review status: criteria provided, single submitter. Criteria: Ambry Variant Classification Scheme 2023. Collection method: clinical testing. Allele origin: germline.
Comment: The p.L305F variant (also known as c.913C>T), located in coding exon 9 of the PMS2 gene, results from a C to T substitution at nucleotide position 913. The leucine at codon 305 is replaced by phenylalanine, an amino acid with highly similar properties. This amino acid position is well conserved in available vertebrate species. In addition, the in silico prediction for this alteration is inconclusive. Since supporting evidence is limited at this time, the clinical significance of this alteration remains unclear.

NM_000535.7(PMS2):c.913C>T (p.Leu305Phe)

Gene: PMS2 (PMS1 homolog 2, mismatch repair system component; minus strand). Cytogenetic location: 7p22.1.
Variant type: single nucleotide variant.
Coding change: c.913C>T on transcript NM_000535.7 (MANE Select); coding-DNA position 913, C replaced by T.
Protein change: p.Leu305Phe; replaces leucine 305 with phenylalanine.
Molecular consequence: missense variant. On other transcripts: 5 prime UTR variant (2), non-coding transcript variant (1).
Genome position (GRCh38, 1-based): chr7:5,992,048, G>A on the plus strand (C>T on the coding strand, the complement: PMS2 is on the minus strand). VCF-style: chr7-5992048-G-A. GRCh37 (hg19) VCF-style: chr7-6031679-G-A.
Other names: c.508C>T, p.Leu170Phe (NM_001322003.2, NM_001322004.2, NM_001322005.2 and 2 more transcripts); c.913C>T, p.Leu305Phe (NM_001322006.2, NM_001322014.2); c.595C>T, p.Leu199Phe (NM_001322007.2, NM_001322008.2); c.-21C>T (NM_001322011.2, NM_001322012.2); c.340C>T, p.Leu114Phe (NM_001322013.2); c.604C>T, p.Leu202Phe (NM_001322015.2); short protein forms L170F, L199F, L202F, L114F, L305F.
Identifiers: ClinVar variation 1036840 (VCV001036840.11), dbSNP rs750420143, ClinGen allele CA366743205.
Genomic context (GRCh38, chr7:5,992,048, plus strand): 5'-TGTTAAGAACAACAAATGGATACTGGTGTCGATTATACATGTGGTAGACCTCATTCACGA[G>A]TCTGCAGACCTGCACAAAATACAAGGAGTAGAAAAGAATAAATGACAAATGTTCCCAGCC-3'
Protein context (NP_000526.2, residues 295-315): RPCDPAKVCR[Leu305Phe]VNEVYHMYNR